The following is an entry in ClinVar:

ClinVar aggregate classification (germline): Benign/Likely benign. Review status: criteria provided, multiple submitters, no conflicts (2 of 4 stars). 5 submissions from 5 submitters: Benign (1); Likely benign (3). 1 of the submissions does not count toward it. Last evaluated 2024-11-30.

Conditions:
BARD1-related disorder. Also called: BARD1-related condition.
Hereditary cancer-predisposing syndrome. Also called: Hereditary neoplastic syndrome; Neoplastic Syndromes, Hereditary; Tumor predisposition; Hereditary Cancer Syndrome. Identifiers: Orphanet 140162, MedGen C0027672, MeSH D009386, MONDO:0015356.
Familial cancer of breast. Also called: BREAST CANCER, FAMILIAL; Hereditary breast cancer; hereditary breast carcinoma. Identifiers: Orphanet 227535, MedGen C0346153, MONDO:0016419, OMIM 114480. Disease mechanism: loss of function.

Allele frequency attached by ClinVar (database versions not stated): gnomAD 0.00001; gnomAD exomes 0.00001; TOPMed 0.00001.
gnomAD v4.1: 7 of 1,591,314 alleles (0.00044%); highest among the groups gnomAD compares: Non-Finnish European, 0.0006%; no homozygotes.

Submissions (5):

Labcorp Genetics (formerly Invitae), Labcorp
Classification: Likely benign for Familial cancer of breast. Last evaluated: 2024-11-30. Review status: criteria provided, single submitter. Criteria: Invitae Variant Classification Sherloc (09022015). Collection method: clinical testing. Allele origin: germline.

Myriad Genetics, Inc.
Classification: Benign for Familial cancer of breast. Last evaluated: 2024-07-22. Review status: criteria provided, single submitter. Criteria: Myriad Autosomal Dominant, Autosomal Recessive and X-Linked Classification Criteria (2023). Collection method: clinical testing. Allele origin: unknown.
Comment: This variant is considered benign. This variant is a silent/synonymous amino acid change and it is not expected to impact splicing.

GeneDx
Classification: Likely benign. Last evaluated: 2021-01-03. Review status: criteria provided, single submitter. Criteria: GeneDx Variant Classification Process June 2021. Collection method: clinical testing. Allele origin: germline. Affected: yes.

Ambry Genetics
Classification: Likely benign for Hereditary cancer-predisposing syndrome. Last evaluated: 2014-06-02. Review status: criteria provided, single submitter. Criteria: Ambry Variant Classification Scheme 2023. Collection method: clinical testing. Allele origin: germline.

PreventionGenetics, part of Exact Sciences
Classification: Likely benign for BARD1-related condition. Last evaluated: 2019-10-23. Review status: no assertion criteria provided. Collection method: clinical testing. Allele origin: germline. Not counted in ClinVar's aggregate classification.
Comment: This variant is classified as likely benign based on ACMG/AMP sequence variant interpretation guidelines (Richards et al. 2015 PMID: 25741868, with internal and published modifications).

NM_000465.4(BARD1):c.669A>G (p.Glu223=)

Gene: BARD1 (BRCA1 associated RING domain 1; minus strand). Cytogenetic location: 2q35.
Variant type: single nucleotide variant.
Coding change: c.669A>G on transcript NM_000465.4 (MANE Select); coding-DNA position 669, A replaced by G.
Protein change: p.Glu223=; no amino-acid change (glutamic acid 223 retained).
Molecular consequence: synonymous variant. On other transcripts: non-coding transcript variant (2), intron variant (3).
Genome position (GRCh38, 1-based): chr2:214,781,205, T>C on the plus strand (A>G on the coding strand, the complement: BARD1 is on the minus strand). VCF-style: chr2-214781205-T-C. GRCh37 (hg19) VCF-style: chr2-215645929-T-C.
Other names: c.612A>G, p.Glu204= (NM_001282543.2); c.158+28207A>G (NM_001282548.2); c.215+15856A>G (NM_001282545.2); c.364+11092A>G (NM_001282549.2).
Identifiers: ClinVar variation 185150 (VCV000185150.21), dbSNP rs786201963, ClinGen allele CA191162.
Genomic context (GRCh38, chr2:214,781,205, plus strand): 5'-ACAGAAGGATACCAGCTTTTGCTTAGATTCCTCTTTGGAGTCAAATTCACCATCTTCTTT[T>C]TCTGCCTCTAAATTCCATTTTTGGTTGATTTCAGCTAAAGTTTTCTTTTTTTGCTTTTTT-3'
Protein context (NP_000456.2, residues 213-233): EINQKWNLEA[Glu223=]KEDGEFDSKE